The following is an entry in ClinVar:

NM_176820.4(NLRP9):c.2330+743G>T

Gene: NLRP9 (NLR family pyrin domain containing 9; minus strand). Cytogenetic location: 19q13.42.
Variant type: single nucleotide variant.
Coding change: c.2330+743G>T on transcript NM_176820.4 (MANE Select); 743 bases into the intron after coding-DNA position 2330, G replaced by T.
Molecular consequence: intron variant.
Genome position (GRCh38, 1-based): chr19:55,715,985, C>A on the plus strand (G>T on the coding strand, the complement: NLRP9 is on the minus strand). VCF-style: chr19-55715985-C-A. GRCh37 (hg19) VCF-style: chr19-56227351-C-A.
Identifiers: ClinVar variation 132879 (VCV000132879.2), dbSNP rs199476228, ClinGen allele CA231732.
Genomic context (GRCh38, chr19:55,715,985, plus strand): 5'-TTAAGGTTTTGTTAAAAGAATAGATTTTAAGTGCTCTAGTCACAAAAAAATAAAATGCTT[C>A]AATGATGTCAGATGATGAGTATGTTAGTTTCCTTGACGACAGTCAACATTTTACTATGGA-3'

ClinVar aggregate classification (germline): not provided (0 of 4 stars; one submission).

Allele frequency attached by ClinVar (database versions not stated): TOPMed below 0.00001; gnomAD 0.00001.
gnomAD v4.1: 1 of 152,284 alleles (0.00066%); highest among the groups gnomAD compares: Non-Finnish European, 0.0015%; no homozygotes.

Submission:

Human Evolutionary Genetics, Institut Pasteur
No classification provided. Review status: no classification provided. Collection method: not provided. Allele origin: germline.
ClinVar note: Converted during submission from untested to not provided.